The following is an entry in ClinVar:

ClinVar aggregate classification (germline): Pathogenic (1 of 4 stars; one submission).

Submission:

GeneDx
Classification: Pathogenic. Last evaluated: 2025-05-06. Review status: criteria provided, single submitter. Criteria: GeneDx Variant Classification Process June 2021. Collection method: clinical testing. Allele origin: germline. Affected: yes.
Comment: Frameshift variant predicted to result in protein truncation or nonsense mediated decay in a gene for which loss of function is a known mechanism of disease; Not observed at significant frequency in large population cohorts (gnomAD); This variant is associated with the following publications: (PMID: 28910737)

NM_001271.4(CHD2):c.4164del (p.Met1388fs)

Gene: CHD2 (chromodomain helicase DNA binding protein 2; plus strand). Cytogenetic location: 15q26.1.
Variant type: Deletion.
Coding change: c.4164del on transcript NM_001271.4 (MANE Select); coding-DNA position 4164, one base deleted (G; older notation c.4164delG).
Protein change: p.Met1388fs; shifts the reading frame from methionine 1388.
Molecular consequence: frameshift variant.
Genome position (GRCh38, 1-based): chr15:93,002,203, G deleted. VCF-style (leftmost placement, unchanged base first): chr15-93002202-TG-T. GRCh37 (hg19) VCF-style: chr15-93545432-TG-T.
Other names: short protein forms M1388fs.
Identifiers: ClinVar variation 4528312 (VCV004528312.1).